The following is an entry in ClinVar:

ClinVar aggregate classification (germline): Uncertain significance. Review status: criteria provided, multiple submitters, no conflicts (2 of 4 stars). 2 submissions from 2 submitters: Uncertain significance (2). Last evaluated 2025-04-13.

Conditions:
Cardiovascular phenotype. Identifiers: MedGen CN230736.
Familial hypobetalipoproteinemia 1. Also called: Hypobetalipoproteinemia, normotriglyceridemic; Acanthocytosis with hypobetalipoproteinemia; APOB-Related Familial Hypobetalipoproteinemia. Identifiers: MedGen C4551990, MONDO:0014252, OMIM 615558.
Hypercholesterolemia, autosomal dominant, type B (FHCL2). Also called: Familial Hypercholesterolemia Type B; APOLIPOPROTEIN B-100, FAMILIAL DEFECTIVE; APOLIPOPROTEIN B-100, FAMILIAL LIGAND-DEFECTIVE; HYPERCHOLESTEROLEMIA, FAMILIAL, DUE TO LIGAND-DEFECTIVE APOLIPOPROTEIN B; Familial hypercholesterolemia 2; APOB-Related Familial Hypercholesterolemia, Autosomal Dominant. Identifiers: MedGen C1704417, MONDO:0007751, OMIM 144010.

Allele frequency attached by ClinVar (database versions not stated): gnomAD exomes below 0.00001; TOPMed 0.00001; ESP Exome Variant Server 0.00008.

Submissions (2):

Labcorp Genetics (formerly Invitae), Labcorp
Classification: Uncertain significance for Familial hypobetalipoproteinemia 1; Hypercholesterolemia, autosomal dominant, type B. Last evaluated: 2025-04-13. Review status: criteria provided, single submitter. Criteria: Invitae Variant Classification Sherloc (09022015). Collection method: clinical testing. Allele origin: germline.
Comment: This sequence change replaces leucine, which is neutral and non-polar, with phenylalanine, which is neutral and non-polar, at codon 789 of the APOB protein (p.Leu789Phe). This variant is not present in population databases (gnomAD no frequency). This variant has not been reported in the literature in individuals affected with APOB-related conditions. ClinVar contains an entry for this variant (Variation ID: 1790208). Invitae Evidence Modeling of protein sequence and biophysical properties (such as structural, functional, and spatial information, amino acid conservation, physicochemical variation, residue mobility, and thermodynamic stability) indicates that this missense variant is not expected to disrupt APOB protein function with a negative predictive value of 95%. In summary, the available evidence is currently insufficient to determine the role of this variant in disease. Therefore, it has been classified as a Variant of Uncertain Significance.

Ambry Genetics
Classification: Uncertain significance for Cardiovascular phenotype. Last evaluated: 2020-03-19. Review status: criteria provided, single submitter. Criteria: Ambry Variant Classification Scheme 2023. Collection method: clinical testing. Allele origin: germline.
Comment: The p.L789F variant (also known as c.2365C>T), located in coding exon 16 of the APOB gene, results from a C to T substitution at nucleotide position 2365. The leucine at codon 789 is replaced by phenylalanine, an amino acid with highly similar properties. This amino acid position is not well conserved in available vertebrate species, and phenylalanine is the reference amino acid in other vertebrate species. In addition, this alteration is predicted to be tolerated by in silico analysis. Since supporting evidence is limited at this time, the clinical significance of this alteration remains unclear.

NM_000384.3(APOB):c.2365C>T (p.Leu789Phe)

Gene: APOB (apolipoprotein B; minus strand). Cytogenetic location: 2p24.1.
Variant type: single nucleotide variant.
Coding change: c.2365C>T on transcript NM_000384.3 (MANE Select); coding-DNA position 2365, C replaced by T.
Protein change: p.Leu789Phe; replaces leucine 789 with phenylalanine.
Molecular consequence: missense variant.
Genome position (GRCh38, 1-based): chr2:21,025,004, G>A on the plus strand (C>T on the coding strand, the complement: APOB is on the minus strand). VCF-style: chr2-21025004-G-A. GRCh37 (hg19) VCF-style: chr2-21247876-G-A.
Other names: short protein forms L789F.
Identifiers: ClinVar variation 1790208 (VCV001790208.4), dbSNP rs375303302, ClinGen allele CA43521451.